The following is an entry in ClinVar:

ClinVar aggregate classification (germline): Conflicting classifications of pathogenicity. Review status: criteria provided, conflicting classifications (1 of 4 stars). 11 submissions from 7 submitters: Uncertain significance (3); Benign (4); Likely benign (3). 1 of the submissions does not count toward it. Last evaluated 2026-01-19.

Conditions:
TTN-related disorder. Also called: TTN-related condition; TTN-related disease; TTN-related disorders.
Cardiomyopathy (CMYO). Also called: Cardiomyopathies. Identifiers: Orphanet 167848, MedGen C0878544, MONDO:0004994, HP:0001638. Inheritance: Various modes of inheritance.
Myopathy, myofibrillar, 9, with early respiratory failure (MFM9). Also called: Hereditary myopathy with early respiratory failure; EDSTROM MYOPATHY; MYOPATHY, PROXIMAL, WITH EARLY RESPIRATORY MUSCLE INVOLVEMENT; Myopathy, distal, with early respiratory failure, autosomal dominant. Identifiers: Orphanet 178464, Orphanet 34521, MedGen C1863599, MONDO:0011362, OMIM 603689.
Dilated cardiomyopathy 1G (CMD1G). Identifiers: Orphanet 154, MedGen C1858763, MONDO:0011400, OMIM 604145.
Early-onset myopathy with fatal cardiomyopathy (CMYO5). Also called: CONGENITAL MYOPATHY 5 WITH CARDIOMYOPATHY; Salih Myopathy. Identifiers: Orphanet 289377, MedGen C2673677, MONDO:0012714, OMIM 611705. Disease mechanism: loss of function.
Tibial muscular dystrophy (TMD). Also called: Tibial muscular dystrophy, tardive; UDD MYOPATHY; Udd Distal Myopathy – Tibial Muscular Dystrophy. Identifiers: Orphanet 609, MedGen C1838244, MONDO:0010870, OMIM 600334.
Autosomal recessive limb-girdle muscular dystrophy type 2J (LGMDR10). Also called: Limb-girdle muscular dystrophy, type 2J; MUSCULAR DYSTROPHY, LIMB-GIRDLE, AUTOSOMAL RECESSIVE 10. Identifiers: Orphanet 140922, MedGen C1837342, MONDO:0012127, OMIM 608807.

Allele frequency attached by ClinVar (database versions not stated): gnomAD 0.00004 and 0.00005; gnomAD exomes 0.00009 and 0.00030; TOPMed 0.00014; ExAC 0.00034.
gnomAD v4.1: 141 of 1,613,512 alleles (0.0087%); highest among the groups gnomAD compares: East Asian, 0.3%; 1 homozygote.

Submissions (11):

Labcorp Genetics (formerly Invitae), Labcorp
Classification: Benign for Dilated cardiomyopathy 1G; Autosomal recessive limb-girdle muscular dystrophy type 2J. Last evaluated: 2026-01-19. Review status: criteria provided, single submitter. Criteria: Invitae Variant Classification Sherloc (09022015). Collection method: clinical testing. Allele origin: germline.

Blueprint Genetics
Classification: Likely benign. Last evaluated: 2023-10-26. Review status: criteria provided, single submitter. Criteria: ACMG Guidelines, 2015. Collection method: clinical testing. Allele origin: germline.

GeneDx
Classification: Likely benign. Last evaluated: 2018-03-15. Review status: criteria provided, single submitter. Criteria: GeneDx Variant Classification (06012015). Collection method: clinical testing. Allele origin: germline. Affected: yes.
Comment: This variant is considered likely benign or benign based on one or more of the following criteria: it is a conservative change, it occurs at a poorly conserved position in the protein, it is predicted to be benign by multiple in silico algorithms, and/or has population frequency not consistent with disease.

Illumina Laboratory Services, Illumina
Classification: Uncertain significance for Autosomal recessive limb-girdle muscular dystrophy type 2J. Last evaluated: 2018-01-13. Review status: criteria provided, single submitter. Criteria: ICSL Variant Classification Criteria 13 December 2019. Collection method: clinical testing. Allele origin: germline.

Illumina Laboratory Services, Illumina
Classification: Uncertain significance for Early-onset myopathy with fatal cardiomyopathy. Last evaluated: 2018-01-13. Review status: criteria provided, single submitter. Criteria: ICSL Variant Classification Criteria 13 December 2019. Collection method: clinical testing. Allele origin: germline.

Illumina Laboratory Services, Illumina
Classification: Benign for Myopathy, myofibrillar, 9, with early respiratory failure. Last evaluated: 2018-01-13. Review status: criteria provided, single submitter. Criteria: ICSL Variant Classification Criteria 13 December 2019. Collection method: clinical testing. Allele origin: germline.
Comment: This variant was observed in the ICSL laboratory as part of a predisposition screen in an ostensibly healthy population. It had not been previously curated by ICSL or reported in the Human Gene Mutation Database (HGMD: prior to June 1st, 2018), and was therefore a candidate for classification through an automated scoring system. Utilizing variant allele frequency, disease prevalence and penetrance estimates, and inheritance mode, an automated score was calculated to assess if this variant is too frequent to cause the disease. Based on the score and internal cut-off values, a variant classified as benign is not then subjected to further curation. The score for this variant resulted in a classification of benign for this disease.

Illumina Laboratory Services, Illumina
Classification: Benign for Tibial muscular dystrophy. Last evaluated: 2018-01-13. Review status: criteria provided, single submitter. Criteria: ICSL Variant Classification Criteria 13 December 2019. Collection method: clinical testing. Allele origin: germline.
Comment: the same text as in the submission from Illumina Laboratory Services, Illumina above.

Illumina Laboratory Services, Illumina
Classification: Uncertain significance for Dilated cardiomyopathy 1G. Last evaluated: 2018-01-13. Review status: criteria provided, single submitter. Criteria: ICSL Variant Classification Criteria 13 December 2019. Collection method: clinical testing. Allele origin: germline.

CHEO Genetics Diagnostic Laboratory, Children's Hospital of Eastern Ontario
Classification: Benign for Cardiomyopathy. Last evaluated: 2018-01-12. Review status: criteria provided, single submitter. Criteria: ACMG Guidelines, 2015. Collection method: clinical testing. Allele origin: germline.

Laboratory for Molecular Medicine, Mass General Brigham Personalized Medicine
Classification: Likely benign. Last evaluated: 2015-03-12. Review status: criteria provided, single submitter. Criteria: LMM Criteria. Collection method: clinical testing. Allele origin: germline. Observed: 1 variant allele.
Comment: p.Gln3162Arg in exon 41 of TTN: This variant is not expected to have clinical si gnificance because it has been identified in 0.5% (41/8544) of East Asian chromo somes by the Exome Aggregation Consortium (ExAC) .

PreventionGenetics, part of Exact Sciences
Classification: Likely benign for TTN-related condition. Last evaluated: 2020-03-09. Review status: no assertion criteria provided. Collection method: clinical testing. Allele origin: germline. Not counted in ClinVar's aggregate classification.
Comment: This variant is classified as likely benign based on ACMG/AMP sequence variant interpretation guidelines (Richards et al. 2015 PMID: 25741868, with internal and published modifications).

NM_001267550.2(TTN):c.9485A>G (p.Gln3162Arg)

Gene: TTN (titin; minus strand). Cytogenetic location: 2q31.2.
Variant type: single nucleotide variant.
Coding change: c.9485A>G on transcript NM_001267550.2 (MANE Select); coding-DNA position 9485, A replaced by G.
Protein change: p.Gln3162Arg; replaces glutamine 3162 with arginine.
Molecular consequence: missense variant.
Genome position (GRCh38, 1-based): chr2:178,766,599, T>C on the plus strand (A>G on the coding strand, the complement: TTN is on the minus strand). VCF-style: chr2-178766599-T-C. GRCh37 (hg19) VCF-style: chr2-179631326-T-C.
Other names: c.9485A>G, p.Gln3162Arg (NM_001256850.1, NM_133378.4, NM_133379.5); c.9347A>G, p.Gln3116Arg (NM_003319.4, NM_133432.3, NM_133437.4); short protein forms Q3162R, Q3116R.
Identifiers: ClinVar variation 166297 (VCV000166297.30), dbSNP rs727503681, ClinGen allele CA179217.
Genomic context (GRCh38, chr2:178,766,599, plus strand): 5'-TCTTTATACCAGTGGGCATCAACATCGTCTTCATTGACCTCAAATTCAACAACAGCACGC[T>C]GTTTCTCAATGACCTGTTGATGGAACAACATAAAAAAACAACAACAACAACAAAAACTTG-3'
Protein context (NP_001254479.2, residues 3152-3172): IKKEVQVIEK[Gln3162Arg]RAVVEFEVNE